The following is an entry in ClinVar:

NM_052945.4(TNFRSF13C):c.508T>C (p.Ser170Pro)

Gene: TNFRSF13C (TNF receptor superfamily member 13C; minus strand). Cytogenetic location: 22q13.2.
Variant type: single nucleotide variant.
Coding change: c.508T>C on transcript NM_052945.4 (MANE Select); coding-DNA position 508, T replaced by C.
Protein change: p.Ser170Pro; replaces serine 170 with proline.
Molecular consequence: missense variant.
Genome position (GRCh38, 1-based): chr22:41,925,414, A>G on the plus strand (T>C on the coding strand, the complement: TNFRSF13C is on the minus strand). VCF-style: chr22-41925414-A-G. GRCh37 (hg19) VCF-style: chr22-42321418-A-G.
Other names: short protein forms S170P.
Identifiers: ClinVar variation 3000794 (VCV003000794.3), dbSNP rs2077624021, ClinGen allele CA411762293.
Genomic context (GRCh38, chr22:41,925,414, plus strand): 5'-TGCCGGCTCCCTGCTATTGTTGCTCAGGGCCGGCCGTCTTGGTGGTCACCAGTTCAGTGG[A>G]GCCCAGCTCTGTGGCTGGCACAGGGACACTGTGGCCAGGTGGGGTGGTTCCTGGGTCTTC-3'
Protein context (NP_443177.1, residues 160-180): SVPVPATELG[Ser170Pro]TELVTTKTAG

ClinVar aggregate classification (germline): Uncertain significance (1 of 4 stars; one submission).

Conditions:
Immunodeficiency, common variable, 4. Also called: ANTIBODY DEFICIENCY DUE TO BAFFR DEFECT. Identifiers: Orphanet 1572, Orphanet 696925, MedGen C3150739, MONDO:0013284, OMIM 613494.

Allele frequency attached by ClinVar (database versions not stated): TOPMed 0.00001; gnomAD exomes below 0.00001.
gnomAD v4.1: 1 of 1,610,266 alleles (0.000062%); highest among the groups gnomAD compares: Non-Finnish European, 0.000085%; no homozygotes.

Submission:

Labcorp Genetics (formerly Invitae), Labcorp
Classification: Uncertain significance for Immunodeficiency, common variable, 4. Last evaluated: 2023-12-19. Review status: criteria provided, single submitter. Criteria: Invitae Variant Classification Sherloc (09022015). Collection method: clinical testing. Allele origin: germline.
Comment: This sequence change replaces serine, which is neutral and polar, with proline, which is neutral and non-polar, at codon 170 of the TNFRSF13C protein (p.Ser170Pro). This variant is not present in population databases (gnomAD no frequency). This variant has not been reported in the literature in individuals affected with TNFRSF13C-related conditions. An algorithm developed to predict the effect of missense changes on protein structure and function (PolyPhen-2) suggests that this variant is likely to be tolerated. In summary, the available evidence is currently insufficient to determine the role of this variant in disease. Therefore, it has been classified as a Variant of Uncertain Significance.